The following is an entry in ClinVar:

ClinVar aggregate classification (germline): Benign/Likely benign. Review status: criteria provided, multiple submitters, no conflicts (2 of 4 stars). 4 submissions from 4 submitters: Benign (2); Likely benign (1). 1 of the submissions does not count toward it. Last evaluated 2025-10-10.

Conditions:
SON-related disorder. Also called: SON-related condition.

Allele frequency attached by ClinVar (database versions not stated): gnomAD exomes 0.00009 and 0.00021; ExAC 0.00029; 1000 Genomes Project 30x 0.00031; 1000 Genomes Project 0.00040; ESP Exome Variant Server 0.00100; gnomAD 0.00100 and 0.00107; TOPMed 0.00117.
gnomAD v4.1: 282 of 1,614,006 alleles (0.017%); highest among the groups gnomAD compares: African/African-American, 0.36%; 1 homozygote.

Submissions (4):

Labcorp Genetics (formerly Invitae), Labcorp
Classification: Benign. Last evaluated: 2025-10-10. Review status: criteria provided, single submitter. Criteria: Invitae Variant Classification Sherloc (09022015). Collection method: clinical testing. Allele origin: germline.

Blueprint Genetics
Classification: Likely benign. Last evaluated: 2024-07-04. Review status: criteria provided, single submitter. Criteria: ACMG Guidelines, 2015. Collection method: clinical testing. Allele origin: germline.

Breakthrough Genomics
Classification: Benign. Review status: criteria provided, single submitter. Criteria: ACMG Guidelines, 2015. Collection method: not provided. Allele origin: germline. Inheritance: Autosomal dominant inheritance. Affected: yes.

PreventionGenetics, part of Exact Sciences
Classification: Likely benign for SON-related condition. Last evaluated: 2023-11-22. Review status: no assertion criteria provided. Collection method: clinical testing. Allele origin: germline. Not counted in ClinVar's aggregate classification.
Comment: This variant is classified as likely benign based on ACMG/AMP sequence variant interpretation guidelines (Richards et al. 2015 PMID: 25741868, with internal and published modifications).

NM_138927.4(SON):c.3447G>A (p.Leu1149=)

Gene: SON (SON DNA and RNA binding protein; plus strand). Cytogenetic location: 21q22.11.
Variant type: single nucleotide variant.
Coding change: c.3447G>A on transcript NM_138927.4 (MANE Select); coding-DNA position 3447, G replaced by A.
Protein change: p.Leu1149=; no amino-acid change (leucine 1149 retained).
Molecular consequence: synonymous variant. On other transcripts: non-coding transcript variant (1), intron variant (1).
Genome position (GRCh38, 1-based): chr21:33,552,678, G>A. VCF-style: chr21-33552678-G-A. GRCh37 (hg19) VCF-style: chr21-34924984-G-A.
Other names: c.3447G>A, p.Leu1149= (NM_001291411.2, NM_032195.3); c.245-4478G>A (NM_001291412.3); c.3447G>A (NM_138927.2).
Identifiers: ClinVar variation 741642 (VCV000741642.12), dbSNP rs148064125, ClinGen allele CA10009296.